The following is an entry in ClinVar:

NM_004304.5(ALK):c.2332C>A (p.Gln778Lys)

Gene: ALK (ALK receptor tyrosine kinase; minus strand). Cytogenetic location: 2p23.2.
Variant type: single nucleotide variant.
Coding change: c.2332C>A on transcript NM_004304.5 (MANE Select); coding-DNA position 2332, C replaced by A.
Protein change: p.Gln778Lys; replaces glutamine 778 with lysine.
Molecular consequence: missense variant.
Genome position (GRCh38, 1-based): chr2:29,239,703, G>T on the plus strand (C>A on the coding strand, the complement: ALK is on the minus strand). VCF-style: chr2-29239703-G-T. GRCh37 (hg19) VCF-style: chr2-29462569-G-T.
Other names: short protein forms Q778K.
Identifiers: ClinVar variation 3223831 (VCV003223831.3), dbSNP rs2465269984, ClinGen allele CA346474265.

ClinVar aggregate classification (germline): Uncertain significance. Review status: criteria provided, multiple submitters, no conflicts (2 of 4 stars). 2 submissions from 2 submitters: Uncertain significance (2). Last evaluated 2025-11-11.

Conditions:
Hereditary cancer-predisposing syndrome. Also called: Hereditary Cancer Syndrome; Tumor predisposition; Neoplastic Syndromes, Hereditary; Hereditary neoplastic syndrome. Identifiers: Orphanet 140162, MedGen C0027672, MeSH D009386, MONDO:0015356.
Neuroblastoma, susceptibility to, 3. Also called: ALK-Related Neuroblastic Tumor Susceptibility. Identifiers: Orphanet 635, MedGen C2751681, MONDO:0013083, OMIM 613014.

Submissions (2):

Ambry Genetics
Classification: Uncertain significance for Hereditary cancer-predisposing syndrome. Last evaluated: 2025-11-11. Review status: criteria provided, single submitter. Criteria: Ambry Variant Classification Scheme 2023. Collection method: clinical testing. Allele origin: germline.
Comment: The p.Q778K variant (also known as c.2332C>A), located in coding exon 13 of the ALK gene, results from a C to A substitution at nucleotide position 2332. The glutamine at codon 778 is replaced by lysine, an amino acid with similar properties. This amino acid position is conserved. In addition, the in silico prediction for this alteration is inconclusive. Since supporting evidence is limited at this time, the clinical significance of this alteration remains unclear.

Labcorp Genetics (formerly Invitae), Labcorp
Classification: Uncertain significance for Neuroblastoma, susceptibility to, 3. Last evaluated: 2025-08-11. Review status: criteria provided, single submitter. Criteria: Invitae Variant Classification Sherloc (09022015). Collection method: clinical testing. Allele origin: germline.
Comment: This sequence change replaces glutamine, which is neutral and polar, with lysine, which is basic and polar, at codon 778 of the ALK protein (p.Gln778Lys). This variant is not present in population databases (gnomAD no frequency). This variant has not been reported in the literature in individuals affected with ALK-related conditions. ClinVar contains an entry for this variant (Variation ID: 3223831). An algorithm developed to predict the effect of missense changes on protein structure and function (PolyPhen-2) suggests that this variant is likely to be disruptive. In summary, the available evidence is currently insufficient to determine the role of this variant in disease. Therefore, it has been classified as a Variant of Uncertain Significance.